The following is an entry in ClinVar:

ClinVar aggregate classification (germline): Uncertain significance (1 of 4 stars; one submission).

Submission:

Labcorp Genetics (formerly Invitae), Labcorp
Classification: Uncertain significance. Last evaluated: 2022-08-21. Review status: criteria provided, single submitter. Criteria: Invitae Variant Classification Sherloc (09022015). Collection method: clinical testing. Allele origin: germline.
Comment: In summary, the available evidence is currently insufficient to determine the role of this variant in disease. Therefore, it has been classified as a Variant of Uncertain Significance. Algorithms developed to predict the effect of sequence changes on RNA splicing suggest that this variant may create or strengthen a splice site. Algorithms developed to predict the effect of missense changes on protein structure and function are either unavailable or do not agree on the potential impact of this missense change (SIFT: "Deleterious"; PolyPhen-2: "Benign"; Align-GVGD: "Class C0"). This variant has not been reported in the literature in individuals affected with SRP72-related conditions. This variant is not present in population databases (gnomAD no frequency). This sequence change replaces valine, which is neutral and non-polar, with glutamic acid, which is acidic and polar, at codon 494 of the SRP72 protein (p.Val494Glu).

NM_006947.4(SRP72):c.1481T>A (p.Val494Glu)

Gene: SRP72 (signal recognition particle 72; plus strand). Cytogenetic location: 4q12.
Variant type: single nucleotide variant.
Coding change: c.1481T>A on transcript NM_006947.4 (MANE Select); coding-DNA position 1481, T replaced by A.
Protein change: p.Val494Glu; replaces valine 494 with glutamic acid.
Molecular consequence: missense variant. On other transcripts: non-coding transcript variant (1).
Genome position (GRCh38, 1-based): chr4:56,490,624, T>A. VCF-style: chr4-56490624-T-A. GRCh37 (hg19) VCF-style: chr4-57356790-T-A.
Other names: c.1298T>A, p.Val433Glu (NM_001267722.2); short protein forms V433E, V494E.
Identifiers: ClinVar variation 1714328 (VCV001714328.5), dbSNP rs763100791, ClinGen allele CA357001832.